The following is an entry in ClinVar:

ClinVar aggregate classification (germline): Uncertain significance (1 of 4 stars; one submission).

Submission:

Labcorp Genetics (formerly Invitae), Labcorp
Classification: Uncertain significance. Last evaluated: 2021-11-17. Review status: criteria provided, single submitter. Criteria: Invitae Variant Classification Sherloc (09022015). Collection method: clinical testing. Allele origin: germline.
Comment: This sequence change replaces lysine, which is basic and polar, with arginine, which is basic and polar, at codon 461 of the PLK4 protein (p.Lys461Arg). This variant is not present in population databases (gnomAD no frequency). This variant has not been reported in the literature in individuals affected with PLK4-related conditions. Algorithms developed to predict the effect of missense changes on protein structure and function are either unavailable or do not agree on the potential impact of this missense change (SIFT: "Tolerated"; PolyPhen-2: "Possibly Damaging"; Align-GVGD: "Class C0"). In summary, the available evidence is currently insufficient to determine the role of this variant in disease. Therefore, it has been classified as a Variant of Uncertain Significance.

NM_014264.5(PLK4):c.1382A>G (p.Lys461Arg)

Gene: PLK4 (polo like kinase 4; plus strand). Cytogenetic location: 4q28.1.
Variant type: single nucleotide variant.
Coding change: c.1382A>G on transcript NM_014264.5 (MANE Select); coding-DNA position 1382, A replaced by G.
Protein change: p.Lys461Arg; replaces lysine 461 with arginine.
Molecular consequence: missense variant.
Genome position (GRCh38, 1-based): chr4:127,887,419, A>G. VCF-style: chr4-127887419-A-G. GRCh37 (hg19) VCF-style: chr4-128808574-A-G.
Other names: c.1286A>G, p.Lys429Arg (NM_001190799.2); c.1259A>G, p.Lys420Arg (NM_001190801.2); short protein forms K420R, K461R, K429R.
Identifiers: ClinVar variation 1476355 (VCV001476355.3), dbSNP rs2148818837, ClinGen allele CA358154784.
Genomic context (GRCh38, chr4:127,887,419, plus strand): 5'-TTATTAGTTTATGGGATTTTTTTGTTTGTTTGTTTAGCTCCAATCATCTTTGTCCAGGAA[A>G]AACTCCTTTTCCATTTGCAGACCCGACACCTCAGACTGAAACCGTACAACAGTGGTTTGG-3'
Protein context (NP_055079.3, residues 451-471): QALSNHLCPG[Lys461Arg]TPFPFADPTP